The following is an entry in ClinVar:

ClinVar aggregate classification (germline): not provided (0 of 4 stars; one submission).

Allele frequency attached by ClinVar (database versions not stated): gnomAD exomes below 0.00001; gnomAD 0.00001.
gnomAD v4.1: 2 of 1,613,780 alleles (0.00012%); highest among the groups gnomAD compares: Admixed American, 0.0033%; no homozygotes.

Submission:

ITMI
No classification provided. Condition: AllHighlyPenetrant. Last evaluated: 2013-09-19. Review status: no classification provided. Collection method: reference population. Allele origin: germline.
Comment: Please see associated publication for description of ethnicities

Literature cited by the submitters: PubMed 24728327.

NM_014159.7(SETD2):c.2713T>C (p.Ser905Pro)

Gene: SETD2 (SET domain containing 2, histone lysine methyltransferase; minus strand). Cytogenetic location: 3p21.31.
Variant type: single nucleotide variant.
Coding change: c.2713T>C on transcript NM_014159.7 (MANE Select); coding-DNA position 2713, T replaced by C.
Protein change: p.Ser905Pro; replaces serine 905 with proline.
Molecular consequence: missense variant. On other transcripts: non-coding transcript variant (1).
Genome position (GRCh38, 1-based): chr3:47,121,923, A>G on the plus strand (T>C on the coding strand, the complement: SETD2 is on the minus strand). VCF-style: chr3-47121923-A-G. GRCh37 (hg19) VCF-style: chr3-47163413-A-G.
Other names: c.2581T>C, p.Ser861Pro (NM_001349370.3); short protein forms S905P, S861P.
Identifiers: ClinVar variation 135238 (VCV000135238.1), dbSNP rs587778676, ClinGen allele CA162107.